The following is an entry in ClinVar:

NM_006506.5(RASA2):c.582T>C (p.Tyr194=)

Gene: RASA2 (RAS p21 protein activator 2; plus strand). Cytogenetic location: 3q23.
Variant type: single nucleotide variant.
Coding change: c.582T>C on transcript NM_006506.5 (MANE Select); coding-DNA position 582, T replaced by C.
Protein change: p.Tyr194=; no amino-acid change (tyrosine 194 retained).
Molecular consequence: synonymous variant.
Genome position (GRCh38, 1-based): chr3:141,553,911, T>C. VCF-style: chr3-141553911-T-C. GRCh37 (hg19) VCF-style: chr3-141272753-T-C.
Other names: c.582T>C, p.Tyr194= (NM_001303245.3, NM_001303246.3).
Identifiers: ClinVar variation 4853424 (VCV004853424.2).

ClinVar aggregate classification (germline): Likely benign. Review status: criteria provided, multiple submitters, no conflicts (2 of 4 stars). 2 submissions from 2 submitters: Likely benign (2). Last evaluated 2026-05-08.

gnomAD v4.1: 11 of 1,612,740 alleles (0.00068%); highest among the groups gnomAD compares: Non-Finnish European, 0.00085%; no homozygotes.

Submissions (2):

Women's Health and Genetics/Laboratory Corporation of America, LabCorp
Classification: Likely benign. Last evaluated: 2026-05-08. Review status: criteria provided, single submitter. Criteria: LabCorp Variant Classification Summary - May 2015. Collection method: clinical testing. Allele origin: germline.
Comment: Variant summary: RASA2 c.582T>C alters a conserved nucleotide resulting in a synonymous change. Consensus agreement among computation tools predict no significant impact on normal splicing. However, these predictions have yet to be confirmed by functional studies. The variant allele was found at a frequency of 8e-06 in 250860 control chromosomes. The available data on variant occurrences in the general population are insufficient to allow any conclusion about variant significance. To our knowledge, no occurrence of c.582T>C in individuals affected with RASA2-related conditions and no experimental evidence demonstrating its impact on protein function have been reported. No submitters have cited clinical-significance assessments for this variant to ClinVar. Based on the evidence outlined above, the variant was classified as likely benign.

Blueprint Genetics
Classification: Likely benign. Last evaluated: 2024-08-21. Review status: criteria provided, single submitter. Criteria: ACMG Guidelines, 2015. Collection method: clinical testing. Allele origin: germline.